The following is an entry in ClinVar:

ClinVar aggregate classification (germline): Uncertain significance (1 of 4 stars; one submission).

Allele frequency attached by ClinVar (database versions not stated): ExAC 0.00001; gnomAD exomes 0.00001.
gnomAD v4.1: 4 of 1,612,886 alleles (0.00025%); highest among the groups gnomAD compares: South Asian, 0.0044%; no homozygotes.

Submission:

Labcorp Genetics (formerly Invitae), Labcorp
Classification: Uncertain significance. Last evaluated: 2021-04-27. Review status: criteria provided, single submitter. Criteria: Invitae Variant Classification Sherloc (09022015). Collection method: clinical testing. Allele origin: germline.
Comment: Algorithms developed to predict the effect of missense changes on protein structure and function are either unavailable or do not agree on the potential impact of this missense change (SIFT: "Deleterious"; PolyPhen-2: "Benign"; Align-GVGD: "Class C0"). In summary, the available evidence is currently insufficient to determine the role of this variant in disease. Therefore, it has been classified as a Variant of Uncertain Significance. This variant has not been reported in the literature in individuals with PDE6C-related conditions. This variant is present in population databases (rs746003348, ExAC 0.006%). This sequence change replaces cysteine with tyrosine at codon 691 of the PDE6C protein (p.Cys691Tyr). The cysteine residue is moderately conserved and there is a large physicochemical difference between cysteine and tyrosine.

NM_006204.4(PDE6C):c.2072G>A (p.Cys691Tyr)

Gene: PDE6C (phosphodiesterase 6C; plus strand). Cytogenetic location: 10q23.33.
Variant type: single nucleotide variant.
Coding change: c.2072G>A on transcript NM_006204.4 (MANE Select); coding-DNA position 2072, G replaced by A.
Protein change: p.Cys691Tyr; replaces cysteine 691 with tyrosine.
Molecular consequence: missense variant.
Genome position (GRCh38, 1-based): chr10:93,658,936, G>A. VCF-style: chr10-93658936-G-A. GRCh37 (hg19) VCF-style: chr10-95418693-G-A.
Other names: short protein forms C691Y.
Identifiers: ClinVar variation 1415149 (VCV001415149.8), dbSNP rs746003348, ClinGen allele CA5610392.
Genomic context (GRCh38, chr10:93,658,936, plus strand): 5'-TTGCTCACAGCTGTATCTTTTCTAGGAAGAGGACCATGTTTCAAAAAATTGTTGATGCCT[G>A]TGAACAAATGCAAACGGAAGAAGAAGCCATCAAATATGTAACTGTTGATCCAACCAAGAA-3'
Protein context (NP_006195.3, residues 681-701): RTMFQKIVDA[Cys691Tyr]EQMQTEEEAI